The following is an entry in ClinVar:

NM_152490.5(B3GALNT2):c.225G>A (p.Met75Ile)

Gene: B3GALNT2 (beta-1,3-N-acetylgalactosaminyltransferase 2; minus strand). Cytogenetic location: 1q42.3.
Variant type: single nucleotide variant.
Coding change: c.225G>A on transcript NM_152490.5 (MANE Select); coding-DNA position 225, G replaced by A.
Protein change: p.Met75Ile; replaces methionine 75 with isoleucine.
Molecular consequence: missense variant.
Genome position (GRCh38, 1-based): chr1:235,494,716, C>T on the plus strand (G>A on the coding strand, the complement: B3GALNT2 is on the minus strand). VCF-style: chr1-235494716-C-T. GRCh37 (hg19) VCF-style: chr1-235658026-C-T.
Other names: c.348G>A, p.Met116Ile (NM_001277155.3); short protein forms M75I, M116I.
Identifiers: ClinVar variation 385340 (VCV000385340.2), dbSNP rs773962539, ClinGen allele CA1464980.

ClinVar aggregate classification (germline): Uncertain significance (1 of 4 stars; one submission).

Allele frequency attached by ClinVar (database versions not stated): gnomAD exomes below 0.00001 and 0.00001; TOPMed below 0.00001; ExAC 0.00001; gnomAD 0.00001.
gnomAD v4.1: 5 of 1,613,146 alleles (0.00031%); highest among the groups gnomAD compares: South Asian, 0.0044%; no homozygotes.

Submission:

GeneDx
Classification: Uncertain significance. Last evaluated: 2016-04-04. Review status: criteria provided, single submitter. Criteria: GeneDx Variant Classification (06012015). Collection method: clinical testing. Allele origin: germline. Affected: yes.
Comment: The M75I variant in the B3GALNT2 gene has not been reported previously as a pathogenic variant, nor as a benign variant, to our knowledge. The M75I variant was not observed in approximately 6,500 individuals of European and African American ancestry in the NHLBI Exome Sequencing Project, indicating it is not a common benign variant in these populations. This substitution occurs at a position where amino acids with similar properties to Leucine are tolerated across species. However, the M75I variant is a conservative amino acid substitution, which is not likely to impact secondary protein structure as these residues share similar properties. In silico analysis predicts this variant likely does not alter the protein structure/function. We interpret M75I as a variant of uncertain significance.